The following is an entry in ClinVar:

NM_003238.6(TGFB2):c.265T>C (p.Cys89Arg)

Gene: TGFB2 (transforming growth factor beta 2; plus strand). Cytogenetic location: 1q41.
Variant type: single nucleotide variant.
Coding change: c.265T>C on transcript NM_003238.6 (MANE Select); coding-DNA position 265, T replaced by C.
Protein change: p.Cys89Arg; replaces cysteine 89 with arginine.
Molecular consequence: missense variant. On other transcripts: non-coding transcript variant (2).
Genome position (GRCh38, 1-based): chr1:218,346,966, T>C. VCF-style: chr1-218346966-T-C. GRCh37 (hg19) VCF-style: chr1-218520308-T-C.
Other names: c.265T>C (NM_003238.3); c.265T>C, p.Cys89Arg (NM_001135599.4); short protein forms C89R.
Identifiers: ClinVar variation 2198298 (VCV002198298.5), dbSNP rs770283888, ClinGen allele CA1398392.
Genomic context (GRCh38, chr1:218,346,966, plus strand): 5'-TCCATCTACAACAGCACCAGGGACTTGCTCCAGGAGAAGGCGAGCCGGAGGGCGGCCGCC[T>C]GCGAGCGCGAGAGGAGCGACGAAGAGTACTACGCCAAGGAGGTTTACAAAATAGACATGC-3'
Protein context (NP_003229.1, residues 79-99): QEKASRRAAA[Cys89Arg]ERERSDEEYY

ClinVar aggregate classification (germline): Uncertain significance. Review status: criteria provided, multiple submitters, no conflicts (2 of 4 stars). 2 submissions from 2 submitters: Uncertain significance (2). Last evaluated 2025-08-27.

Conditions:
Familial thoracic aortic aneurysm and aortic dissection (TAAD). Also called: Thoracic aortic aneurysms and dissections. Identifiers: Orphanet 91387, MedGen C4707243, MONDO:0019625.
Loeys-Dietz syndrome 4 (LDS4). Also called: ANEURYSM, AORTIC AND CEREBRAL, WITH ARTERIAL TORTUOSITY AND SKELETAL MANIFESTATIONS; TGFB2-Related Loeys-Dietz Syndrome. Identifiers: MedGen C3553762, MONDO:0013897, OMIM 614816.

Allele frequency attached by ClinVar (database versions not stated): gnomAD exomes below 0.00001; ExAC 0.00001.
gnomAD v4.1: 1 of 1,613,946 alleles (0.000062%); highest among the groups gnomAD compares: Admixed American, 0.0017%; no homozygotes.

Submissions (2):

Labcorp Genetics (formerly Invitae), Labcorp
Classification: Uncertain significance for Loeys-Dietz syndrome 4. Last evaluated: 2025-08-27. Review status: criteria provided, single submitter. Criteria: Invitae Variant Classification Sherloc (09022015). Collection method: clinical testing. Allele origin: germline.
Comment: This sequence change replaces cysteine, which is neutral and slightly polar, with arginine, which is basic and polar, at codon 89 of the TGFB2 protein (p.Cys89Arg). This variant is present in population databases (rs770283888, gnomAD 0.006%). This variant has not been reported in the literature in individuals affected with TGFB2-related conditions. ClinVar contains an entry for this variant (Variation ID: 2198298). An algorithm developed to predict the effect of missense changes on protein structure and function (PolyPhen-2) suggests that this variant is likely to be disruptive. In summary, the available evidence is currently insufficient to determine the role of this variant in disease. Therefore, it has been classified as a Variant of Uncertain Significance.

Ambry Genetics
Classification: Uncertain significance for Familial thoracic aortic aneurysm and aortic dissection. Last evaluated: 2025-02-20. Review status: criteria provided, single submitter. Criteria: Ambry Variant Classification Scheme 2023. Collection method: clinical testing. Allele origin: germline.
Comment: The p.C89R variant (also known as c.265T>C), located in coding exon 1 of the TGFB2 gene, results from a T to C substitution at nucleotide position 265. The cysteine at codon 89 is replaced by arginine, an amino acid with highly dissimilar properties. This amino acid position is conserved. In addition, the in silico prediction for this alteration is inconclusive. Based on the available evidence, the clinical significance of this variant remains unclear.